The following is an entry in ClinVar:

ClinVar aggregate classification (germline): Uncertain significance (1 of 4 stars; one submission).

Conditions:
Cystic fibrosis (CF). Also called: MUCOVISCIDOSIS. Identifiers: Orphanet 586, MedGen C0010674, MONDO:0009061, OMIM 219700. Disease mechanism: loss of function.

Submission:

Ambry Genetics
Classification: Uncertain significance for Cystic fibrosis. Last evaluated: 2025-09-10. Review status: criteria provided, single submitter. Criteria: Ambry Variant Classification Scheme 2023. Collection method: clinical testing. Allele origin: germline.
Comment: The p.V920A variant (also known as c.2759T>C), located in coding exon 17 of the CFTR gene, results from a T to C substitution at nucleotide position 2759. The valine at codon 920 is replaced by alanine, an amino acid with similar properties. This amino acid position is conserved. In addition, the in silico prediction for this alteration is inconclusive. Based on the available evidence, the clinical significance of this variant remains unclear.

NM_000492.4(CFTR):c.2759T>C (p.Val920Ala)

Gene: CFTR (CF transmembrane conductance regulator; plus strand). Cytogenetic location: 7q31.2.
Variant type: single nucleotide variant.
Coding change: c.2759T>C on transcript NM_000492.4 (MANE Select); coding-DNA position 2759, T replaced by C.
Protein change: p.Val920Ala; replaces valine 920 with alanine.
Molecular consequence: missense variant.
Genome position (GRCh38, 1-based): chr7:117,603,633, T>C. VCF-style: chr7-117603633-T-C. GRCh37 (hg19) VCF-style: chr7-117243687-T-C.
Other names: short protein forms V920A.
Identifiers: ClinVar variation 4227449 (VCV004227449.1).